The following is an entry in ClinVar:

NM_000038.6(APC):c.5377G>C (p.Ala1793Pro)

Gene: APC (APC regulator of Wnt signaling pathway; plus strand). Cytogenetic location: 5q22.2.
Variant type: single nucleotide variant.
Coding change: c.5377G>C on transcript NM_000038.6 (MANE Select); coding-DNA position 5377, G replaced by C.
Protein change: p.Ala1793Pro; replaces alanine 1793 with proline.
Molecular consequence: missense variant.
Genome position (GRCh38, 1-based): chr5:112,840,971, G>C. VCF-style: chr5-112840971-G-C. GRCh37 (hg19) VCF-style: chr5-112176668-G-C.
Other names: c.5377G>C, p.Ala1793Pro (NM_001127510.3, NM_001354895.2); c.5323G>C, p.Ala1775Pro (NM_001127511.3); c.5431G>C, p.Ala1811Pro (NM_001354896.2); c.5407G>C, p.Ala1803Pro (NM_001354897.2); c.5302G>C, p.Ala1768Pro (NM_001354898.2); c.5293G>C, p.Ala1765Pro (NM_001354899.2); c.5254G>C, p.Ala1752Pro (NM_001354900.2); c.5200G>C, p.Ala1734Pro (NM_001354901.2); and 5 more; short protein forms A1793P, A1775P, A1734P, A1811P, A1510P, A1633P, A1803P, A1667P.
Identifiers: ClinVar variation 629537 (VCV000629537.5), dbSNP rs1472921765, ClinGen allele CA16033082.

ClinVar aggregate classification (germline): Uncertain significance (1 of 4 stars; one submission).

Conditions:
Hereditary cancer-predisposing syndrome. Also called: Neoplastic Syndromes, Hereditary; Tumor predisposition; Hereditary neoplastic syndrome; Hereditary Cancer Syndrome. Identifiers: Orphanet 140162, MedGen C0027672, MeSH D009386, MONDO:0015356.

Submission:

Color Diagnostics, LLC DBA Color Health
Classification: Uncertain significance for Hereditary cancer-predisposing syndrome. Last evaluated: 2023-12-04. Review status: criteria provided, single submitter. Criteria: ACMG Guidelines, 2015. Collection method: clinical testing. Allele origin: germline.
Comment: This missense variant replaces alanine with proline at codon 1793 of the APC protein. Computational prediction suggests that this variant may not impact protein structure and function (internally defined REVEL score threshold <= 0.5, PMID: 27666373). To our knowledge, functional studies have not been reported for this variant. This variant has not been reported in individuals affected with APC-related disorders in the literature. This variant has not been identified in the general population by the Genome Aggregation Database (gnomAD). The available evidence is insufficient to determine the role of this variant in disease conclusively. Therefore, this variant is classified as a Variant of Uncertain Significance.